The following is an entry in ClinVar:

ClinVar aggregate classification (germline): Uncertain significance (1 of 4 stars; one submission).

Conditions:
Cardiac anomalies - developmental delay - facial dysmorphism syndrome (MRFACD). Also called: MED13L Syndrome; Impaired intellectual development and distinctive facial features with or without cardiac defects. Identifiers: Orphanet 369891, MedGen C5192431, MONDO:0014773, OMIM 616789.

Submission:

Neuberg Centre For Genomic Medicine, NCGM
Classification: Uncertain significance for Cardiac anomalies - developmental delay - facial dysmorphism syndrome. Review status: criteria provided, single submitter. Criteria: ACMG Guidelines, 2015. Collection method: clinical testing. Allele origin: germline. Inheritance: Autosomal dominant inheritance. Affected: yes.
Comment: The missense variant c.1802T>C(p.Leu601Pro) in MED13L gene has not been reported previously as a pathogenic variant nor as a benign variant, to our knowledge. The p.Leu601Pro variant is absent (not in any individuals) in gnomAD Exomes and 1000 Genomes. This variant has not been reported to the ClinVar database. The amino acid change p.Leu601Pro in MED13L is predicted as conserved by GERP++ and PhyloP across 100 vertebrates. The amino acid Leu at position 601 is changed to a Pro changing protein sequence and it might alter its composition and physico-chemical properties. For these reasons, this variant has been classified as Uncertain Significance (VUS).

NM_015335.5(MED13L):c.1802T>C (p.Leu601Pro)

Gene: MED13L (mediator complex subunit 13L; minus strand). Cytogenetic location: 12q24.21.
Variant type: single nucleotide variant.
Coding change: c.1802T>C on transcript NM_015335.5 (MANE Select); coding-DNA position 1802, T replaced by C.
Protein change: p.Leu601Pro; replaces leucine 601 with proline.
Molecular consequence: missense variant.
Genome position (GRCh38, 1-based): chr12:116,008,611, A>G on the plus strand (T>C on the coding strand, the complement: MED13L is on the minus strand). VCF-style: chr12-116008611-A-G. GRCh37 (hg19) VCF-style: chr12-116446416-A-G.
Other names: short protein forms L601P.
Identifiers: ClinVar variation 3242035 (VCV003242035.1), dbSNP rs2499911829.
Genomic context (GRCh38, chr12:116,008,611, plus strand): 5'-ATCCCACAATATAAGGCTGTCTCGCTGACCTCTGCCATGAGAGGCAGTCTTTGGCCTACG[A>G]GGACAGTTCTGTCATCCAGAGTAGACAACTGCTGGAGTTCTAGTCCATTTCCATAAAGGG-3'
Protein context (NP_056150.1, residues 591-611): QLSTLDDRTV[Leu601Pro]VGQRLPLMAE